The following is an entry in ClinVar:

NM_000834.5(GRIN2B):c.3005G>T (p.Gly1002Val)

Gene: GRIN2B (glutamate ionotropic receptor NMDA type subunit 2B; minus strand). Cytogenetic location: 12p13.1.
Variant type: single nucleotide variant.
Coding change: c.3005G>T on transcript NM_000834.5 (MANE Select); coding-DNA position 3005, G replaced by T.
Protein change: p.Gly1002Val; replaces glycine 1002 with valine.
Molecular consequence: missense variant.
Genome position (GRCh38, 1-based): chr12:13,564,233, C>A on the plus strand (G>T on the coding strand, the complement: GRIN2B is on the minus strand). VCF-style: chr12-13564233-C-A. GRCh37 (hg19) VCF-style: chr12-13717167-C-A.
Other names: short protein forms G1002V.
Identifiers: ClinVar variation 560647 (VCV000560647.4), dbSNP rs773762599, ClinGen allele CA6460954.

ClinVar aggregate classification (germline): Uncertain significance. Review status: criteria provided, multiple submitters, no conflicts (2 of 4 stars). 3 submissions from 3 submitters: Uncertain significance (2). 1 of the submissions does not count toward it. Last evaluated 2024-03-18.

Conditions:
Intellectual developmental disorder, autosomal dominant 6, with or without seizures. Also called: Intellectual disability, autosomal dominant 6; GRIN2B-related developmental delay, intellectual disability and autism spectrum disorder. Identifiers: Orphanet 589547, MedGen C3151411, MONDO:0013509, OMIM 613970.
Developmental and epileptic encephalopathy, 27 (DEE27). Also called: Epileptic encephalopathy, early infantile, 27; GRIN2B-Related Neurodevelopmental Disorder. Identifiers: Orphanet 3451, MedGen C4015316, MONDO:0014505, OMIM 616139.
developmental delay with intractable seizures.

Allele frequency attached by ClinVar (database versions not stated): gnomAD exomes below 0.00001; ExAC 0.00001.
gnomAD v4.1: 1 of 1,614,122 alleles (0.000062%); highest among the groups gnomAD compares: Admixed American, 0.0017%; no homozygotes.

Submissions (3):

GeneDx
Classification: Uncertain significance. Last evaluated: 2024-03-18. Review status: criteria provided, single submitter. Criteria: GeneDx Variant Classification Process June 2021. Collection method: clinical testing. Allele origin: germline. Affected: yes.
Comment: In silico analysis supports that this missense variant has a deleterious effect on protein structure/function; Has not been previously published as pathogenic or benign to our knowledge

Labcorp Genetics (formerly Invitae), Labcorp
Classification: Uncertain significance for Developmental and epileptic encephalopathy, 27; Intellectual developmental disorder, autosomal dominant 6, with or without seizures. Last evaluated: 2024-03-07. Review status: criteria provided, single submitter. Criteria: Invitae Variant Classification Sherloc (09022015). Collection method: clinical testing. Allele origin: germline.
Comment: This sequence change replaces glycine, which is neutral and non-polar, with valine, which is neutral and non-polar, at codon 1002 of the GRIN2B protein (p.Gly1002Val). This variant is present in population databases (rs773762599, gnomAD 0.003%). This variant has not been reported in the literature in individuals affected with GRIN2B-related conditions. ClinVar contains an entry for this variant (Variation ID: 560647). Advanced modeling of protein sequence and biophysical properties (such as structural, functional, and spatial information, amino acid conservation, physicochemical variation, residue mobility, and thermodynamic stability) has been performed at Invitae for this missense variant, however the output from this modeling did not meet the statistical confidence thresholds required to predict the impact of this variant on GRIN2B protein function. In summary, the available evidence is currently insufficient to determine the role of this variant in disease. Therefore, it has been classified as a Variant of Uncertain Significance.

Clinical Molecular Genetics Laboratory, Johns Hopkins All Children's Hospital
Classification: Uncertain significance for developmental delay with intractable seizures. Last evaluated: 2016-08-03. Review status: no assertion criteria provided. Collection method: clinical testing. Allele origin: germline. Affected: yes. Not counted in ClinVar's aggregate classification.